The following is an entry in ClinVar:

ClinVar aggregate classification (germline): Uncertain significance (1 of 4 stars; one submission).

Conditions:
Duchenne muscular dystrophy (DMD). Also called: MUSCULAR DYSTROPHY, PSEUDOHYPERTROPHIC PROGRESSIVE, DUCHENNE TYPE; Duchenne Muscular Dystrophy (DMD). Identifiers: Orphanet 98896, MedGen C0013264, MONDO:0010679, OMIM 310200.

Submission:

Labcorp Genetics (formerly Invitae), Labcorp
Classification: Uncertain significance for Duchenne muscular dystrophy. Last evaluated: 2022-02-06. Review status: criteria provided, single submitter. Criteria: Invitae Variant Classification Sherloc (09022015). Collection method: clinical testing. Allele origin: germline.
Comment: In summary, the available evidence is currently insufficient to determine the role of this variant in disease. Therefore, it has been classified as a Variant of Uncertain Significance. Algorithms developed to predict the effect of missense changes on protein structure and function are either unavailable or do not agree on the potential impact of this missense change (SIFT: "Deleterious"; PolyPhen-2: "Benign"; Align-GVGD: "Class C65"). This variant has not been reported in the literature in individuals affected with DMD-related conditions. This variant is not present in population databases (gnomAD no frequency). This sequence change replaces serine, which is neutral and polar, with alanine, which is neutral and non-polar, at codon 3612 of the DMD protein (p.Ser3612Ala).

NM_004006.3(DMD):c.10834T>G (p.Ser3612Ala)

Gene: DMD (dystrophin; minus strand). Cytogenetic location: Xp21.2.
Variant type: single nucleotide variant.
Coding change: c.10834T>G on transcript NM_004006.3 (MANE Select); coding-DNA position 10834, T replaced by G.
Protein change: p.Ser3612Ala; replaces serine 3612 with alanine.
Molecular consequence: missense variant.
Genome position (GRCh38, 1-based): chrX:31,146,378, A>C on the plus strand (T>G on the coding strand, the complement: DMD is on the minus strand). VCF-style: chrX-31146378-A-C. GRCh37 (hg19) VCF-style: chrX-31164495-A-C.
Other names: c.10810T>G, p.Ser3604Ala (NM_000109.4); c.10822T>G, p.Ser3608Ala (NM_004009.3); c.10465T>G, p.Ser3489Ala (NM_004010.3); c.6811T>G, p.Ser2271Ala (NM_004011.4); c.6802T>G, p.Ser2268Ala (NM_004012.4); c.3454T>G, p.Ser1152Ala (NM_004013.3, NM_004021.3); c.2647T>G, p.Ser883Ala (NM_004014.3); c.1630T>G, p.Ser544Ala (NM_004015.3, NM_004016.3); and 3 more; short protein forms S1042A, S1139A, S2271A, S3604A, S3489A, S531A, S2268A, S3612A.
Identifiers: ClinVar variation 2094320 (VCV002094320.4), dbSNP rs2519418883, ClinGen allele CA412648887.